The following is an entry in ClinVar:

NM_001267550.2(TTN):c.74945G>A (p.Arg24982Lys)

Genes: TTN (titin; minus strand), TTN-AS1 (TTN antisense RNA 1; plus strand). Cytogenetic location: 2q31.2.
Variant type: single nucleotide variant.
Coding change: c.74945G>A on transcript NM_001267550.2 (MANE Select); coding-DNA position 74945, G replaced by A.
Protein change: p.Arg24982Lys; replaces arginine 24982 with lysine.
Molecular consequence: missense variant.
Genome position (GRCh38, 1-based): chr2:178,571,187, C>T on the plus strand (G>A on the coding strand, the complement: TTN is on the minus strand). VCF-style: chr2-178571187-C-T. GRCh37 (hg19) VCF-style: chr2-179435914-C-T.
Other names: c.70022G>A, p.Arg23341Lys (NM_001256850.1); c.47750G>A, p.Arg15917Lys (NM_003319.4); c.67241G>A, p.Arg22414Lys (NM_133378.4); c.48125G>A, p.Arg16042Lys (NM_133432.3); c.48326G>A, p.Arg16109Lys (NM_133437.4); short protein forms R22414K, R16042K, R16109K, R23341K, R15917K, R24982K.
Identifiers: ClinVar variation 1742993 (VCV001742993.2), dbSNP rs2468482433, ClinGen allele CA349630037.

ClinVar aggregate classification (germline): Uncertain significance (1 of 4 stars; one submission).

Conditions:
Cardiovascular phenotype. Identifiers: MedGen CN230736.

Submission:

Ambry Genetics
Classification: Uncertain significance for Cardiovascular phenotype. Last evaluated: 2019-12-12. Review status: criteria provided, single submitter. Criteria: Ambry Variant Classification Scheme 2023. Collection method: clinical testing. Allele origin: germline.
Comment: The p.R15917K variant (also known as c.47750G>A), located in coding exon 153 of the TTN gene, results from a G to A substitution at nucleotide position 47750. The arginine at codon 15917 is replaced by lysine, an amino acid with highly similar properties. This amino acid position is highly conserved in available vertebrate species. In addition, this alteration is predicted to be tolerated by in silico analysis. Since supporting evidence is limited at this time, the clinical significance of this alteration remains unclear.